The following is an entry in ClinVar:

NM_144687.4(NLRP12):c.3098+99G>A

Gene: NLRP12 (NLR family pyrin domain containing 12; minus strand). Cytogenetic location: 19q13.42.
Variant type: single nucleotide variant.
Coding change: c.3098+99G>A on transcript NM_144687.4 (MANE Select); 99 bases into the intron after coding-DNA position 3098, G replaced by A.
Molecular consequence: intron variant.
Genome position (GRCh38, 1-based): chr19:53,795,760, C>T on the plus strand (G>A on the coding strand, the complement: NLRP12 is on the minus strand). VCF-style: chr19-53795760-C-T. GRCh37 (hg19) VCF-style: chr19-54299014-C-T.
Other names: c.2927+99G>A (NM_001277129.1); c.3101+99G>A (NM_001277126.2).
Identifiers: ClinVar variation 1242297 (VCV001242297.5), dbSNP rs2042296, ClinGen allele CA14648001.

ClinVar aggregate classification (germline): Benign. Review status: criteria provided, multiple submitters, no conflicts (2 of 4 stars). 3 submissions from 3 submitters: Benign (3). Last evaluated 2024-01-24.

Allele frequency attached by ClinVar (database versions not stated): gnomAD exomes 0.52285; 1000 Genomes Project 0.53055; 1000 Genomes Project 30x 0.53170; TOPMed 0.53553; gnomAD 0.54436 and 0.54490.
gnomAD v4.1: 533,625 of 1,015,286 alleles (53%); highest among the groups gnomAD compares: South Asian, 63%; 142,668 homozygotes.

Submissions (3):

Unidad de Genómica Garrahan, Hospital de Pediatría Garrahan
Classification: Benign. Last evaluated: 2024-01-24. Review status: criteria provided, single submitter. Criteria: ACMG Guidelines, 2015. Collection method: clinical testing. Allele origin: germline. Affected: no. Observed: 50 variant alleles.
Comment: This variant is classified as Benign based on local population frequency. This variant was detected in 53% of patients studied by a panel of primary immunodeficiencies. Number of patients: 50. Only high quality variants are reported.

GeneDx
Classification: Benign. Last evaluated: 2021-05-13. Review status: criteria provided, single submitter. Criteria: GeneDx Variant Classification Process June 2021. Collection method: clinical testing. Allele origin: germline. Affected: yes.

Breakthrough Genomics
Classification: Benign. Review status: criteria provided, single submitter. Criteria: ACMG Guidelines, 2015. Collection method: not provided. Allele origin: germline. Inheritance: Autosomal dominant inheritance. Affected: yes.